The following is an entry in ClinVar:

ClinVar aggregate classification (germline): Uncertain significance. Review status: criteria provided, multiple submitters, no conflicts (2 of 4 stars). 2 submissions from 2 submitters: Uncertain significance (2). Last evaluated 2023-07-08.

Conditions:
Cardiovascular phenotype. Identifiers: MedGen CN230736.
Hypertrophic cardiomyopathy. Also called: HYPERTROPHIC MYOCARDIOPATHY. Identifiers: Orphanet 217569, MedGen C0007194, MeSH D002312, MONDO:0005045, HP:0001639.

gnomAD v4.1: 2 of 1,611,788 alleles (0.00012%); highest among the groups gnomAD compares: South Asian, 0.0011%; no homozygotes.

Submissions (2):

Labcorp Genetics (formerly Invitae), Labcorp
Classification: Uncertain significance for Hypertrophic cardiomyopathy. Last evaluated: 2023-07-08. Review status: criteria provided, single submitter. Criteria: Invitae Variant Classification Sherloc (09022015). Collection method: clinical testing. Allele origin: germline.
Comment: ClinVar contains an entry for this variant (Variation ID: 1796205). This variant has not been reported in the literature in individuals affected with JPH2-related conditions. An algorithm developed to predict the effect of missense changes on protein structure and function (PolyPhen-2) suggests that this variant is likely to be disruptive. In summary, the available evidence is currently insufficient to determine the role of this variant in disease. Therefore, it has been classified as a Variant of Uncertain Significance. This sequence change replaces glycine, which is neutral and non-polar, with aspartic acid, which is acidic and polar, at codon 372 of the JPH2 protein (p.Gly372Asp). This variant is not present in population databases (gnomAD no frequency).

Ambry Genetics
Classification: Uncertain significance for Cardiovascular phenotype. Last evaluated: 2020-12-01. Review status: criteria provided, single submitter. Criteria: Ambry Variant Classification Scheme 2023. Collection method: clinical testing. Allele origin: germline.
Comment: The p.G372D variant (also known as c.1115G>A), located in coding exon 2 of the JPH2 gene, results from a G to A substitution at nucleotide position 1115. The glycine at codon 372 is replaced by aspartic acid, an amino acid with similar properties. This amino acid position is highly conserved in available vertebrate species. In addition, this alteration is predicted to be tolerated by in silico analysis. Since supporting evidence is limited at this time, the clinical significance of this alteration remains unclear.

NM_020433.5(JPH2):c.1115G>A (p.Gly372Asp)

Gene: JPH2 (junctophilin 2; minus strand). Cytogenetic location: 20q13.12.
Variant type: single nucleotide variant.
Coding change: c.1115G>A on transcript NM_020433.5 (MANE Select); coding-DNA position 1115, G replaced by A.
Protein change: p.Gly372Asp; replaces glycine 372 with aspartic acid.
Molecular consequence: missense variant.
Genome position (GRCh38, 1-based): chr20:44,159,672, C>T on the plus strand (G>A on the coding strand, the complement: JPH2 is on the minus strand). VCF-style: chr20-44159672-C-T. GRCh37 (hg19) VCF-style: chr20-42788312-C-T.
Other names: short protein forms G372D.
Identifiers: ClinVar variation 1796205 (VCV001796205.5), dbSNP rs2515744102, ClinGen allele CA409092857.